The following is an entry in ClinVar:

ClinVar aggregate classification (germline): Uncertain significance. Review status: criteria provided, single submitter (1 of 4 stars). 3 submissions from 3 submitters: Uncertain significance (1). 2 of the submissions do not count toward it. Last evaluated 2024-02-14.

Conditions:
Reduced protein C activity. Identifiers: MedGen C0398625, MeSH D020151, HP:0005543.
Thrombophilia due to protein C deficiency, autosomal dominant. Also called: PROC DEFICIENCY, AUTOSOMAL DOMINANT; PROTEIN C DEFICIENCY, AUTOSOMAL DOMINANT. Identifiers: Orphanet 745, MedGen C2674321, MONDO:0008316, OMIM 176860. Disease mechanism: loss of function.

Allele frequency attached by ClinVar (database versions not stated): gnomAD exomes 0.00001; TOPMed 0.00001.
gnomAD v4.1: 7 of 1,613,794 alleles (0.00043%); highest among the groups gnomAD compares: Non-Finnish European, 0.00059%; no homozygotes.

Submissions (3):

Labcorp Genetics (formerly Invitae), Labcorp
Classification: Uncertain significance for Thrombophilia due to protein C deficiency, autosomal dominant. Last evaluated: 2024-02-14. Review status: criteria provided, single submitter. Criteria: Invitae Variant Classification Sherloc (09022015). Collection method: clinical testing. Allele origin: germline.
Comment: This sequence change falls in intron 7 of the PROC gene. It does not directly change the encoded amino acid sequence of the PROC protein. This variant is not present in population databases (gnomAD no frequency). This variant has been observed in individual(s) with protein C deficiency (PMID: 1301954). ClinVar contains an entry for this variant (Variation ID: 673). Algorithms developed to predict the effect of sequence changes on RNA splicing suggest that this variant may disrupt the consensus splice site. In summary, the available evidence is currently insufficient to determine the role of this variant in disease. Therefore, it has been classified as a Variant of Uncertain Significance.

OMIM
Classification: Pathogenic for THROMBOPHILIA DUE TO PROTEIN C DEFICIENCY, AUTOSOMAL DOMINANT. Last evaluated: 1992-01-01. Review status: no assertion criteria provided. Collection method: literature only. Allele origin: germline. Not counted in ClinVar's aggregate classification.

ISTH-SSC Genomics in Thrombosis and Hemostasis, KU Leuven, Center for Molecular and Vascular Biology
Classification: Uncertain significance for Reduced protein C activity. Review status: no assertion criteria provided. Collection method: clinical testing. Allele origin: unknown. Affected: yes. Not counted in ClinVar's aggregate classification.
Comment: Submitted to GoldVariant by Prof Kathleen Freson from Center for Molecular and Vascular Biology, Leuven, Belgium

Literature cited by the submitters: PubMed 1301954 (cited by Labcorp Genetics (formerly Invitae), Labcorp and OMIM); PubMed 6589623 (cited by OMIM); Tsuda, S., Reitsma, P., Miletich, J. Molecular defects causing heterozygous protein C deficiency in 3 asymptomatic kindreds. (Abstract) Thromb. Haemost. 65: 647, 1991. (cited by OMIM).

NM_000312.4(PROC):c.678+9C>T

Gene: PROC (protein C, inactivator of coagulation factors Va and VIIIa; plus strand). Cytogenetic location: 2q14.3.
Variant type: single nucleotide variant.
Coding change: c.678+9C>T on transcript NM_000312.4 (MANE Select); 9 bases into the intron after coding-DNA position 678, C replaced by T.
Molecular consequence: intron variant.
Genome position (GRCh38, 1-based): chr2:127,426,236, C>T. VCF-style: chr2-127426236-C-T. GRCh37 (hg19) VCF-style: chr2-128183812-C-T.
Other names: IVS7DS, C-T, +9; c.678+9C>T (NM_001375611.1, NM_001375613.1); c.861+9C>T (NM_001375602.1); c.864+9C>T (NM_001375607.1); c.780+9C>T (NM_001375605.1); c.621+9C>T (NM_001375608.1); c.672+9C>T (NM_001375610.1); c.846+9C>T (NM_001375606.1); and 3 more.
Identifiers: ClinVar variation 673 (VCV000000673.4), dbSNP rs1053253907, ClinGen allele CA55348498.